The following is an entry in ClinVar:

NM_006431.3(CCT2):c.194A>G (p.Asn65Ser)

Gene: CCT2 (chaperonin containing TCP1 subunit 2; plus strand). Cytogenetic location: 12q15.
Variant type: single nucleotide variant.
Coding change: c.194A>G on transcript NM_006431.3 (MANE Select); coding-DNA position 194, A replaced by G.
Protein change: p.Asn65Ser; replaces asparagine 65 with serine.
Molecular consequence: missense variant.
Genome position (GRCh38, 1-based): chr12:69,587,554, A>G. VCF-style: chr12-69587554-A-G. GRCh37 (hg19) VCF-style: chr12-69981334-A-G.
Other names: c.194A>G (NM_006431.2); c.53A>G, p.Asn18Ser (NM_001198842.2); short protein forms N18S, N65S.
Identifiers: ClinVar variation 1010745 (VCV001010745.9), dbSNP rs780624649, ClinGen allele CA6680491.

ClinVar aggregate classification (germline): Uncertain significance. Review status: criteria provided, multiple submitters, no conflicts (2 of 4 stars). 2 submissions from 2 submitters: Uncertain significance (2). Last evaluated 2025-04-24.

Allele frequency attached by ClinVar (database versions not stated): TOPMed 0.00002; gnomAD 0.00003; gnomAD exomes 0.00003 and 0.00007; ExAC 0.00012.
gnomAD v4.1: 45 of 1,613,814 alleles (0.0028%); highest among the groups gnomAD compares: East Asian, 0.0045%; no homozygotes.

Submissions (2):

Labcorp Genetics (formerly Invitae), Labcorp
Classification: Uncertain significance. Last evaluated: 2025-04-24. Review status: criteria provided, single submitter. Criteria: Invitae Variant Classification Sherloc (09022015). Collection method: clinical testing. Allele origin: germline.
Comment: This sequence change replaces asparagine, which is neutral and polar, with serine, which is neutral and polar, at codon 65 of the CCT2 protein (p.Asn65Ser). This variant is present in population databases (rs780624649, gnomAD 0.01%). This variant has not been reported in the literature in individuals affected with CCT2-related conditions. ClinVar contains an entry for this variant (Variation ID: 1010745). An algorithm developed to predict the effect of missense changes on protein structure and function (PolyPhen-2) suggests that this variant is likely to be disruptive. In summary, the available evidence is currently insufficient to determine the role of this variant in disease. Therefore, it has been classified as a Variant of Uncertain Significance.

Ambry Genetics
Classification: Uncertain significance. Last evaluated: 2025-04-20. Review status: criteria provided, single submitter. Criteria: Ambry Variant Classification Scheme 2023. Collection method: clinical testing. Allele origin: germline.